The following is an entry in ClinVar:

ClinVar aggregate classification (germline): Uncertain significance. Review status: criteria provided, multiple submitters, no conflicts (2 of 4 stars). 4 submissions from 4 submitters: Uncertain significance (3). 1 of the submissions does not count toward it. Last evaluated 2025-12-19.

Conditions:
Inborn genetic diseases. Identifiers: MedGen C0950123, MeSH D030342.
Facioscapulohumeral muscular dystrophy 2 (FSHD2). Also called: MUSCULAR DYSTROPHY, FACIOSCAPULOHUMERAL, TYPE 1B; FACIOSCAPULOHUMERAL MUSCULAR DYSTROPHY 2, DIGENIC; FSHD2, DIGENIC. Identifiers: Orphanet 269, MedGen C1834671, MONDO:0008031, OMIM 158901.

Allele frequency attached by ClinVar (database versions not stated): ExAC 0.00004; gnomAD exomes 0.00004 and 0.00005; TOPMed 0.00006; gnomAD 0.00009 and 0.00010; ESP Exome Variant Server 0.00017.
gnomAD v4.1: 89 of 1,591,656 alleles (0.0056%); highest among the groups gnomAD compares: Middle Eastern, 0.033%; no homozygotes.

Submissions (4):

Labcorp Genetics (formerly Invitae), Labcorp
Classification: Uncertain significance for Facioscapulohumeral muscular dystrophy 2. Last evaluated: 2025-12-19. Review status: criteria provided, single submitter. Criteria: Invitae Variant Classification Sherloc (09022015). Collection method: clinical testing. Allele origin: germline.
Comment: This sequence change replaces lysine, which is basic and polar, with glutamic acid, which is acidic and polar, at codon 879 of the SMCHD1 protein (p.Lys879Glu). This variant is present in population databases (rs671942, gnomAD 0.01%). This variant has not been reported in the literature in individuals affected with SMCHD1-related conditions. ClinVar contains an entry for this variant (Variation ID: 1504908). Invitae Evidence Modeling of protein sequence and biophysical properties (such as structural, functional, and spatial information, amino acid conservation, physicochemical variation, residue mobility, and thermodynamic stability) indicates that this missense variant is not expected to disrupt SMCHD1 protein function with a negative predictive value of 80%. In summary, the available evidence is currently insufficient to determine the role of this variant in disease. Therefore, it has been classified as a Variant of Uncertain Significance.

Ambry Genetics
Classification: Uncertain significance for Inborn genetic diseases. Last evaluated: 2025-08-04. Review status: criteria provided, single submitter. Criteria: Ambry Variant Classification Scheme 2023. Collection method: clinical testing. Allele origin: germline.

Breakthrough Genomics
Classification: Uncertain significance. Review status: criteria provided, single submitter. Criteria: ACMG Guidelines, 2015. Collection method: not provided. Allele origin: germline. Inheritance: Autosomal dominant inheritance. Affected: yes.

Institute of Human Genetics, University of Wuerzburg
Classification: Likely benign for Facioscapulohumeral muscular dystrophy 2. Review status: no assertion criteria provided. Collection method: clinical testing. Allele origin: unknown. Affected: yes. Observed: 1 variant allele. Not counted in ClinVar's aggregate classification.

NM_015295.3(SMCHD1):c.2635A>G (p.Lys879Glu)

Gene: SMCHD1 (structural maintenance of chromosomes flexible hinge domain containing 1; plus strand). Cytogenetic location: 18p11.32.
Variant type: single nucleotide variant.
Coding change: c.2635A>G on transcript NM_015295.3 (MANE Select); coding-DNA position 2635, A replaced by G.
Protein change: p.Lys879Glu; replaces lysine 879 with glutamic acid.
Molecular consequence: missense variant.
Genome position (GRCh38, 1-based): chr18:2,724,930, A>G. VCF-style: chr18-2724930-A-G. GRCh37 (hg19) VCF-style: chr18-2724928-A-G.
Other names: c.2635A>G (NM_015295.2); short protein forms K879E.
Identifiers: ClinVar variation 1504908 (VCV001504908.11), dbSNP rs671942, ClinGen allele CA8871026.